The following is an entry in ClinVar:

NM_007289.4(MME):c.298del (p.Thr100fs)

Gene: MME (membrane metalloendopeptidase; plus strand). Cytogenetic location: 3q25.2.
Variant type: Deletion.
Coding change: c.298del on transcript NM_007289.4 (MANE Select); coding-DNA position 298, one base deleted (A; older notation c.298delA).
Protein change: p.Thr100fs; shifts the reading frame from threonine 100.
Molecular consequence: frameshift variant.
Genome position (GRCh38, 1-based): chr3:155,115,095, A deleted. VCF-style (leftmost placement, unchanged base first): chr3-155115094-GA-G. GRCh37 (hg19) VCF-style: chr3-154832883-GA-G.
Other names: c.298del, p.Thr100fs (NM_000902.5, NM_001354642.2, NM_001354643.1 and 2 more transcripts); short protein forms T100fs.
Identifiers: ClinVar variation 1451159 (VCV001451159.8), dbSNP rs753679568, ClinGen allele CA2675096.

ClinVar aggregate classification (germline): Pathogenic (1 of 4 stars; one submission).

Allele frequency attached by ClinVar (database versions not stated): gnomAD exomes below 0.00001; ExAC 0.00001; gnomAD 0.00001; TOPMed 0.00001.

Submission:

Labcorp Genetics (formerly Invitae), Labcorp
Classification: Pathogenic. Last evaluated: 2024-06-15. Review status: criteria provided, single submitter. Criteria: Invitae Variant Classification Sherloc (09022015). Collection method: clinical testing. Allele origin: germline.
Comment: This sequence change creates a premature translational stop signal (p.Thr100Profs*11) in the MME gene. It is expected to result in an absent or disrupted protein product. Loss-of-function variants in MME are known to be pathogenic (PMID: 26991897). This variant is present in population databases (rs753679568, gnomAD 0.0009%). This premature translational stop signal has been observed in individual(s) with clinical features of MME-related conditions (PMID: 27588448). ClinVar contains an entry for this variant (Variation ID: 1451159). For these reasons, this variant has been classified as Pathogenic.

Literature cited by the submitters: PubMed 26991897; PubMed 27588448.